The following is an entry in ClinVar:

ClinVar aggregate classification (germline): Uncertain significance. Review status: criteria provided, multiple submitters, no conflicts (2 of 4 stars). 3 submissions from 3 submitters: Uncertain significance (2). 1 of the submissions does not count toward it. Last evaluated 2024-03-26.

Conditions:
TNRC6B-related disorder. Also called: TNRC6B-related condition.
Global developmental delay with speech and behavioral abnormalities. Identifiers: MedGen C5543226, MONDO:0030995, OMIM 619243.

Submissions (3):

Genomic Medicine Center of Excellence, King Faisal Specialist Hospital and Research Centre
Classification: Uncertain significance for Global developmental delay with speech and behavioral abnormalities. Last evaluated: 2024-03-26. Review status: criteria provided, single submitter. Criteria: ACMG Guidelines, 2015. Collection method: clinical testing. Allele origin: germline.

Women's Health and Genetics/Laboratory Corporation of America, LabCorp
Classification: Uncertain significance. Last evaluated: 2023-07-28. Review status: criteria provided, single submitter. Criteria: LabCorp Variant Classification Summary - May 2015. Collection method: clinical testing. Allele origin: germline.
Comment: Variant summary: TNRC6B c.3976_3984delCAGCAGCAG (p.Gln1326_Gln1328del) results in an in-frame deletion that is predicted to remove three amino acids from the encoded protein. The variant allele was found at a frequency of 7.6e-06 in 132068 control chromosomes. The available data on variant occurrences in the general population are insufficient to allow any conclusion about variant significance. To our knowledge, no occurrence of c.3976_3984delCAGCAGCAG in individuals affected with Global Developmental Delay With Speech And Behavioral Abnormalities and no experimental evidence demonstrating its impact on protein function have been reported. No submitters have cited clinical-significance assessments for this variant to ClinVar after 2014. Based on the evidence outlined above, the variant was classified as uncertain significance.

PreventionGenetics, part of Exact Sciences
Classification: Benign for TNRC6B-related condition. Last evaluated: 2019-03-25. Review status: no assertion criteria provided. Collection method: clinical testing. Allele origin: germline. Not counted in ClinVar's aggregate classification.
Comment: This variant is classified as benign based on ACMG/AMP sequence variant interpretation guidelines (Richards et al. 2015 PMID: 25741868, with internal and published modifications).

NM_001162501.2(TNRC6B):c.3961CAG[5] (p.Gln1326_Gln1328del)

Gene: TNRC6B (trinucleotide repeat containing adaptor 6B; plus strand). Cytogenetic location: 22q13.1.
Variant type: Microsatellite.
Coding change: c.3961CAG[5] on transcript NM_001162501.2 (MANE Select); five copies in a row of the 3-base unit CAG starting at c.3961; the reference has eight copies in a row; three copies, 9 bases deleted; also written c.3976_3984del.
Protein change: p.Gln1326_Gln1328del.
Molecular consequence: inframe deletion.
Genome position (GRCh38, 1-based): chr22:40,301,189-40,301,197, CAGCAGCAG deleted; deleting any 9 consecutive bases within chr22:40,301,173-40,301,197 gives the same sequence; the position shown is the placement nearest the transcript's 3' end. VCF-style (leftmost placement, unchanged base first): chr22-40301172-TGCAGCAGCA-T. GRCh37 (hg19) VCF-style: chr22-40697176-TGCAGCAGCA-T.
Other names: c.1549CAG[5], p.Gln522_Gln524del (NM_001024843.2); c.3631CAG[5], p.Gln1216_Gln1218del (NM_015088.3); c.3976_3984del (NM_001162501.2).
Identifiers: ClinVar variation 2577347 (VCV002577347.4), dbSNP rs139908, ClinGen allele CA639824582.
Genomic context (GRCh38, chr22:40,301,172, plus strand): 5'-GCCGTGCTTATCACGTGTCTGTCTCTCTTGGCCCTCAGCTGGCTCGAATGGTGAGTGCAC[TGCAGCAGCA>T]GCAGCAGCAGCAGCAGAGGCAGCCAGGCATGAAGCACTCGCCCTCTCATCCTGTTGGGCC-3'